The following is an entry in ClinVar:

NM_001127222.2(CACNA1A):c.5398C>G (p.Leu1800Val)

Gene: CACNA1A (calcium voltage-gated channel subunit alpha1 A; minus strand). Cytogenetic location: 19p13.13.
Variant type: single nucleotide variant.
Coding change: c.5398C>G on transcript NM_001127222.2 (MANE Select); coding-DNA position 5398, C replaced by G.
Protein change: p.Leu1800Val; replaces leucine 1800 with valine.
Molecular consequence: missense variant.
Genome position (GRCh38, 1-based): chr19:13,231,712, G>C on the plus strand (C>G on the coding strand, the complement: CACNA1A is on the minus strand). VCF-style: chr19-13231712-G-C. GRCh37 (hg19) VCF-style: chr19-13342526-G-C.
Other names: c.5416C>G, p.Leu1806Val (NM_000068.4, NM_023035.3); c.5401C>G, p.Leu1801Val (NM_001127221.2); c.5407C>G, p.Leu1803Val (NM_001174080.2); short protein forms L1800V, L1801V, L1803V, L1806V.
Identifiers: ClinVar variation 3760397 (VCV003760397.2).

ClinVar aggregate classification (germline): Uncertain significance (1 of 4 stars; one submission).

Conditions:
Episodic ataxia type 2 (EA2). Also called: ATAXIA, EPISODIC, WITH NYSTAGMUS; ATAXIA, FAMILIAL PAROXYSMAL; ACETAZOLAMIDE-RESPONSIVE HEREDITARY PAROXYSMAL CEREBELLAR ATAXIA; CEREBELLAR ATAXIA, PAROXYSMAL, ACETAZOLAMIDE-RESPONSIVE; CEREBELLOPATHY, HEREDITARY PAROXYSMAL; EPISODIC ATAXIA, NYSTAGMUS-ASSOCIATED. Identifiers: Orphanet 97, MedGen C1720416, MONDO:0007163, OMIM 108500.
Developmental and epileptic encephalopathy, 42 (DEE42A). Also called: Epileptic encephalopathy, early infantile, 42; DEVELOPMENTAL AND EPILEPTIC ENCEPHALOPATHY 42A; EPILEPTIC ENCEPHALOPATHY, EARLY INFANTILE, 42A. Identifiers: MedGen C4310716, MONDO:0014917, OMIM 617106.

Submission:

Labcorp Genetics (formerly Invitae), Labcorp
Classification: Uncertain significance for Developmental and epileptic encephalopathy, 42; Episodic ataxia type 2. Last evaluated: 2025-02-12. Review status: criteria provided, single submitter. Criteria: Invitae Variant Classification Sherloc (09022015). Collection method: clinical testing. Allele origin: germline.
Comment: This sequence change replaces leucine, which is neutral and non-polar, with valine, which is neutral and non-polar, at codon 1801 of the CACNA1A protein (p.Leu1801Val). This variant is not present in population databases (gnomAD no frequency). This variant has not been reported in the literature in individuals affected with CACNA1A-related conditions. An algorithm developed to predict the effect of missense changes on protein structure and function (PolyPhen-2) suggests that this variant is likely to be disruptive. In summary, the available evidence is currently insufficient to determine the role of this variant in disease. Therefore, it has been classified as a Variant of Uncertain Significance.